The following is an entry in ClinVar:

ClinVar aggregate classification (germline): Uncertain significance. Review status: criteria provided, multiple submitters, no conflicts (2 of 4 stars). 3 submissions from 3 submitters: Uncertain significance (3). Last evaluated 2024-08-29.

Conditions:
Developmental and epileptic encephalopathy, 54. Also called: HNRNPU-Related Neurodevelopmental Disorder; Epileptic encephalopathy, early infantile, 54. Identifiers: MedGen C4479319, MONDO:0033363, OMIM 617391.

Allele frequency attached by ClinVar (database versions not stated): gnomAD exomes below 0.00001; TOPMed below 0.00001; gnomAD 0.00001; ExAC 0.00002.
gnomAD v4.1: 8 of 1,586,122 alleles (0.0005%); highest among the groups gnomAD compares: African/African-American, 0.0014%; no homozygotes.

Submissions (3):

Labcorp Genetics (formerly Invitae), Labcorp
Classification: Uncertain significance for Developmental and epileptic encephalopathy, 54. Last evaluated: 2024-08-29. Review status: criteria provided, single submitter. Criteria: Invitae Variant Classification Sherloc (09022015). Collection method: clinical testing. Allele origin: germline.
Comment: This sequence change replaces glycine, which is neutral and non-polar, with arginine, which is basic and polar, at codon 185 of the HNRNPU protein (p.Gly185Arg). This variant is present in population databases (rs780326561, gnomAD 0.01%). This variant has not been reported in the literature in individuals affected with HNRNPU-related conditions. ClinVar contains an entry for this variant (Variation ID: 1031469). Invitae Evidence Modeling of protein sequence and biophysical properties (such as structural, functional, and spatial information, amino acid conservation, physicochemical variation, residue mobility, and thermodynamic stability) indicates that this missense variant is not expected to disrupt HNRNPU protein function with a negative predictive value of 80%. In summary, the available evidence is currently insufficient to determine the role of this variant in disease. Therefore, it has been classified as a Variant of Uncertain Significance.

Fulgent Genetics
Classification: Uncertain significance for Developmental and epileptic encephalopathy, 54. Last evaluated: 2022-05-20. Review status: criteria provided, single submitter. Criteria: ACMG Guidelines, 2015. Collection method: clinical testing. Allele origin: unknown.

Baylor Genetics
Classification: Uncertain significance for Developmental and epileptic encephalopathy, 54. Last evaluated: 2018-04-30. Review status: criteria provided, single submitter. Criteria: ACMG Guidelines, 2015. Collection method: clinical testing. Allele origin: unknown. Affected: yes.
Comment: This variant was determined to be of uncertain significance according to ACMG Guidelines, 2015 [PMID:25741868].

NM_031844.3(HNRNPU):c.553G>A (p.Gly185Arg)

Gene: HNRNPU (heterogeneous nuclear ribonucleoprotein U; minus strand). Cytogenetic location: 1q44.
Variant type: single nucleotide variant.
Coding change: c.553G>A on transcript NM_031844.3 (MANE Select); coding-DNA position 553, G replaced by A.
Protein change: p.Gly185Arg; replaces glycine 185 with arginine.
Molecular consequence: missense variant.
Genome position (GRCh38, 1-based): chr1:244,863,755, C>T on the plus strand (G>A on the coding strand, the complement: HNRNPU is on the minus strand). VCF-style: chr1-244863755-C-T. GRCh37 (hg19) VCF-style: chr1-245027057-C-T.
Other names: c.553G>A, p.Gly185Arg (NM_004501.3); short protein forms G185R.
Identifiers: ClinVar variation 1031469 (VCV001031469.6), dbSNP rs780326561, ClinGen allele CA1486779.